The following is an entry in ClinVar:

ClinVar aggregate classification (germline): Uncertain significance (1 of 4 stars; one submission).

Submission:

Ambry Genetics
Classification: Uncertain significance. Last evaluated: 2026-03-26. Review status: criteria provided, single submitter. Criteria: Ambry Variant Classification Scheme 2023. Collection method: clinical testing. Allele origin: germline.
Comment: The c.8806G>A (p.D2936N) alteration is located in exon 7 (coding exon 7) of the AHNAK2 gene. This alteration results from a G to A substitution at nucleotide position 8806, causing the aspartic acid (D) at amino acid position 2936 to be replaced by an asparagine (N). Based on data from gnomAD, the A allele has an overall frequency of 0.001% (2/249076) total alleles studied. The highest observed frequency was 0.003% (1/30600) of South Asian alleles. Based on insufficient or conflicting evidence, the clinical significance of this alteration remains unclear.

NM_138420.4(AHNAK2):c.8806G>A (p.Asp2936Asn)

Gene: AHNAK2 (AHNAK nucleoprotein 2; minus strand). Cytogenetic location: 14q32.33.
Variant type: single nucleotide variant.
Coding change: c.8806G>A on transcript NM_138420.4 (MANE Select); coding-DNA position 8806, G replaced by A.
Protein change: p.Asp2936Asn; replaces aspartic acid 2936 with asparagine.
Molecular consequence: missense variant.
Genome position (GRCh38, 1-based): chr14:104,946,645, C>T on the plus strand (G>A on the coding strand, the complement: AHNAK2 is on the minus strand). VCF-style: chr14-104946645-C-T. GRCh37 (hg19) VCF-style: chr14-105412982-C-T.
Other names: c.8506G>A, p.Asp2836Asn (NM_001350929.2); short protein forms D2836N, D2936N.
Identifiers: ClinVar variation 4868412 (VCV004868412.1).